The following is an entry in ClinVar:

ClinVar aggregate classification (germline): Uncertain significance (1 of 4 stars; one submission).

gnomAD v4.1: 1 of 1,613,944 alleles (0.000062%); highest among the groups gnomAD compares: Non-Finnish European, 0.000085%; no homozygotes.

Submission:

GeneDx
Classification: Uncertain significance. Last evaluated: 2025-03-20. Review status: criteria provided, single submitter. Criteria: GeneDx Variant Classification Process June 2021. Collection method: clinical testing. Allele origin: germline. Affected: yes.
Comment: Not observed at significant frequency in large population cohorts (gnomAD); In silico analysis supports that this missense variant has a deleterious effect on protein structure/function; Has not been previously published as pathogenic or benign to our knowledge; Also known as 2281T>C

NM_007294.4(BRCA1):c.2162T>C (p.Phe721Ser)

Gene: BRCA1 (BRCA1 DNA repair associated; minus strand). Cytogenetic location: 17q21.31.
Variant type: single nucleotide variant.
Coding change: c.2162T>C on transcript NM_007294.4 (MANE Select); coding-DNA position 2162, T replaced by C.
Protein change: p.Phe721Ser; replaces phenylalanine 721 with serine.
Molecular consequence: missense variant. On other transcripts: intron variant (137).
Genome position (GRCh38, 1-based): chr17:43,093,369, A>G on the plus strand (T>C on the coding strand, the complement: BRCA1 is on the minus strand). VCF-style: chr17-43093369-A-G. GRCh37 (hg19) VCF-style: chr17-41245386-A-G.
Other names: c.461-2337T>C (NM_001408506.1, NM_001408507.1); c.577+1375T>C (NM_001408481.1, NM_001408480.1, NM_001408492.1 and 9 more transcripts); c.778+1375T>C (NM_001408408.1); c.661+1375T>C (NM_001408446.1, NM_001408435.1, NM_001408448.1 and 6 more transcripts); c.784+1375T>C (NM_001408401.1, NM_001408396.1, NM_001407985.1 and 13 more transcripts); c.548-2337T>C (NM_001408494.1); c.664+1375T>C (NM_001408444.1, NM_001408438.1, NM_001408430.1 and 12 more transcripts); c.671-2337T>C (NM_001408423.1, NM_001408420.1, NM_001408419.1 and 2 more transcripts); and 41 more; short protein forms F425S, F553S, F593S, F594S, F609S, F610S, F632S, F633S.
Identifiers: ClinVar variation 4086643 (VCV004086643.1).
Genomic context (GRCh38, chr17:43,093,369, plus strand): 5'-GACACTTTAACTGTTTCTAGTTTCTCTTCTTTTTCTTCTCTTGGAAGGCTAGGATTGACA[A>G]ATTCTTTAAGTTCACTGGTATTTGAACACTTAGTAAAAGAACCAGGTGCATTTGTTAACT-3'
Protein context (NP_009225.1, residues 711-731): KCSNTSELKE[Phe721Ser]VNPSLPREEK